The following is an entry in ClinVar:

ClinVar aggregate classification (germline): Pathogenic. Review status: criteria provided, multiple submitters, no conflicts (2 of 4 stars). 2 submissions from 2 submitters: Pathogenic (2). Last evaluated 2025-12-22.

Conditions:
Developmental delay, impaired speech, and behavioral abnormalities. Identifiers: MedGen C5561957, MONDO:0859178, OMIM 619475.

Submissions (2):

Victorian Clinical Genetics Services, Murdoch Childrens Research Institute
Classification: Pathogenic for Developmental delay, impaired speech, and behavioral abnormalities. Last evaluated: 2025-12-22. Review status: criteria provided, single submitter. Criteria: ACMG Guidelines, 2015. Collection method: clinical testing. Allele origin: germline. Affected: yes.
Comment: This variant is classified as Pathogenic. Evidence in support of pathogenic classification: Variant is predicted to cause nonsense-mediated decay (NMD) and loss of protein (premature termination codon is located at least 54 nucleotides upstream of the final exon-exon junction); Variant is absent from gnomAD (v2, v3 and v4); This variant has limited previous evidence of pathogenicity in unrelated individual(s). This variant has been classified as pathogenic by a clinical laboratory in ClinVar. It has also been reported in the literature in an individual with microcephaly, intellectual disability and neurodevelopmental delay (PMID: 39039281). - Other NMD-predicted variant(s) comparable to the one identified in this case have very strong previous evidence for pathogenicity (DECIPHER). Additional information: This variant is heterozygous; This gene is associated with autosomal dominant disease; No published evidence of segregation with disease has been identified for this variant; No published functional evidence has been identified for this variant; Loss of function is a known mechanism of disease in this gene and is associated with developmental delay, impaired speech, and behavioural abnormalities (MIM#619475); Variants in this gene are known to have variable expressivity (OMIM).

GeneDx
Classification: Pathogenic. Last evaluated: 2024-11-15. Review status: criteria provided, single submitter. Criteria: GeneDx Variant Classification Process June 2021. Collection method: clinical testing. Allele origin: germline. Affected: yes.
Comment: Nonsense variant predicted to result in protein truncation or nonsense mediated decay in a gene for which loss of function is a known mechanism of disease; Not observed at significant frequency in large population cohorts (gnomAD); Has not been previously published as pathogenic or benign to our knowledge

Literature cited by the submitters: PubMed 39039281 (cited by Victorian Clinical Genetics Services, Murdoch Childrens Research Institute).

NM_003128.3(SPTBN1):c.5233C>T (p.Arg1745Ter)

Gene: SPTBN1 (spectrin beta, non-erythrocytic 1; plus strand). Cytogenetic location: 2p16.2.
Variant type: single nucleotide variant.
Coding change: c.5233C>T on transcript NM_003128.3 (MANE Select); coding-DNA position 5233, C replaced by T.
Protein change: p.Arg1745Ter; replaces arginine 1745 with a stop codon.
Molecular consequence: nonsense.
Genome position (GRCh38, 1-based): chr2:54,649,645, C>T. VCF-style: chr2-54649645-C-T. GRCh37 (hg19) VCF-style: chr2-54876782-C-T.
Other names: c.5194C>T, p.Arg1732Ter (NM_178313.3); short protein forms R1732*, R1745*.
Identifiers: ClinVar variation 3899568 (VCV003899568.2).